The following is an entry in ClinVar:

NM_002734.5(PRKAR1A):c.254C>G (p.Pro85Arg)

Gene: PRKAR1A (protein kinase cAMP-dependent type I regulatory subunit alpha; plus strand). Cytogenetic location: 17q24.2.
Variant type: single nucleotide variant.
Coding change: c.254C>G on transcript NM_002734.5 (MANE Select); coding-DNA position 254, C replaced by G.
Protein change: p.Pro85Arg; replaces proline 85 with arginine.
Molecular consequence: missense variant.
Genome position (GRCh38, 1-based): chr17:68,522,832, C>G. VCF-style: chr17-68522832-C-G. GRCh37 (hg19) VCF-style: chr17-66518973-C-G.
Other names: c.254C>G (NM_002734.3); c.254C>G, p.Pro85Arg (NM_001276289.2, NM_001276290.1, NM_001278433.2 and 4 more transcripts); short protein forms P85R.
Identifiers: ClinVar variation 2697472 (VCV002697472.4), dbSNP rs267605013, ClinGen allele CA400752323.

ClinVar aggregate classification (germline): Uncertain significance. Review status: criteria provided, multiple submitters, no conflicts (2 of 4 stars). 2 submissions from 2 submitters: Uncertain significance (2). Last evaluated 2023-11-30.

Conditions:
Hereditary cancer-predisposing syndrome. Also called: Neoplastic Syndromes, Hereditary; Tumor predisposition; Hereditary neoplastic syndrome; Hereditary Cancer Syndrome. Identifiers: Orphanet 140162, MedGen C0027672, MeSH D009386, MONDO:0015356.
Carney complex, type 1 (CNC1). Also called: CARNEY COMPLEX, TYPE I; CARNEY MYXOMA-ENDOCRINE COMPLEX. Identifiers: Orphanet 1359, MedGen C2607929, MONDO:0008057, OMIM 160980.

Submissions (2):

Ambry Genetics
Classification: Uncertain significance for Hereditary cancer-predisposing syndrome. Last evaluated: 2023-11-30. Review status: criteria provided, single submitter. Criteria: Ambry Variant Classification Scheme 2023. Collection method: clinical testing. Allele origin: germline.
Comment: The p.P85R variant (also known as c.254C>G), located in coding exon 2 of the PRKAR1A gene, results from a C to G substitution at nucleotide position 254. The proline at codon 85 is replaced by arginine, an amino acid with dissimilar properties. This amino acid position is conserved. In addition, this alteration is predicted to be deleterious by in silico analysis. Since supporting evidence is limited at this time, the clinical significance of this alteration remains unclear.

Labcorp Genetics (formerly Invitae), Labcorp
Classification: Uncertain significance for Carney complex, type 1. Last evaluated: 2023-06-07. Review status: criteria provided, single submitter. Criteria: Invitae Variant Classification Sherloc (09022015). Collection method: clinical testing. Allele origin: germline.
Comment: This sequence change replaces proline, which is neutral and non-polar, with arginine, which is basic and polar, at codon 85 of the PRKAR1A protein (p.Pro85Arg). This variant is not present in population databases (gnomAD no frequency). This variant has not been reported in the literature in individuals affected with PRKAR1A-related conditions. Advanced modeling of protein sequence and biophysical properties (such as structural, functional, and spatial information, amino acid conservation, physicochemical variation, residue mobility, and thermodynamic stability) performed at Invitae indicates that this missense variant is not expected to disrupt PRKAR1A protein function. In summary, the available evidence is currently insufficient to determine the role of this variant in disease. Therefore, it has been classified as a Variant of Uncertain Significance.